The following is an entry in ClinVar:

NM_006231.4(POLE):c.908A>G (p.Gln303Arg)

Gene: POLE (DNA polymerase epsilon, catalytic subunit; minus strand). Cytogenetic location: 12q24.33.
Variant type: single nucleotide variant.
Coding change: c.908A>G on transcript NM_006231.4 (MANE Select); coding-DNA position 908, A replaced by G.
Protein change: p.Gln303Arg; replaces glutamine 303 with arginine.
Molecular consequence: missense variant.
Genome position (GRCh38, 1-based): chr12:132,676,547, T>C on the plus strand (A>G on the coding strand, the complement: POLE is on the minus strand). VCF-style: chr12-132676547-T-C. GRCh37 (hg19) VCF-style: chr12-133253133-T-C.
Other names: short protein forms Q303R.
Identifiers: ClinVar variation 3422173 (VCV003422173.1).

ClinVar aggregate classification (germline): Uncertain significance (1 of 4 stars; one submission).

Conditions:
Hereditary cancer-predisposing syndrome. Also called: Neoplastic Syndromes, Hereditary; Tumor predisposition; Hereditary Cancer Syndrome; Hereditary neoplastic syndrome. Identifiers: Orphanet 140162, MedGen C0027672, MeSH D009386, MONDO:0015356.

gnomAD v4.1: 1 of 1,608,078 alleles (0.000062%); highest among the groups gnomAD compares: Non-Finnish European, 0.000085%; no homozygotes.

Submission:

Ambry Genetics
Classification: Uncertain significance for Hereditary cancer-predisposing syndrome. Last evaluated: 2024-10-03. Review status: criteria provided, single submitter. Criteria: Ambry Variant Classification Scheme 2023. Collection method: clinical testing. Allele origin: germline.
Comment: The p.Q303R variant (also known as c.908A>G), located in coding exon 9 of the POLE gene, results from an A to G substitution at nucleotide position 908. The glutamine at codon 303 is replaced by arginine, an amino acid with highly similar properties. This amino acid position is highly conserved in available vertebrate species. In addition, the in silico prediction for this alteration is inconclusive. Based on the available evidence, the clinical significance of this variant remains unclear.